The following is an entry in ClinVar:

ClinVar aggregate classification (germline): Likely benign (1 of 4 stars; one submission).

Allele frequency attached by ClinVar (database versions not stated): gnomAD exomes 0.00016; TOPMed 0.00019; gnomAD 0.00022; 1000 Genomes Project 30x 0.00031; ExAC 0.00037.
gnomAD v4.1: 269 of 1,491,226 alleles (0.018%); highest among the groups gnomAD compares: Middle Eastern, 0.1%; 2 homozygotes.

Submission:

CeGaT Center for Human Genetics Tuebingen
Classification: Likely benign. Last evaluated: 2022-06-01. Review status: criteria provided, single submitter. Criteria: CeGaT Center For Human Genetics Tuebingen Variant Classification Criteria Version 2. Collection method: clinical testing. Allele origin: germline. Affected: yes. Observed: 1 variant allele.
Comment: ZFP36L2: BP4, BP7

NM_006887.5(ZFP36L2):c.1041G>A (p.Gly347=)

Genes: ZFP36L2 (ZFP36 like 2 zinc finger CCCH-type; minus strand), LOC129933607 (ATAC-STARR-seq lymphoblastoid silent region 11421; plus strand). Cytogenetic location: 2p21.
Variant type: single nucleotide variant.
Coding change: c.1041G>A on transcript NM_006887.5 (MANE Select); coding-DNA position 1041, G replaced by A.
Protein change: p.Gly347=; no amino-acid change (glycine 347 retained).
Molecular consequence: synonymous variant.
Genome position (GRCh38, 1-based): chr2:43,224,763, C>T on the plus strand (G>A on the coding strand, the complement: ZFP36L2 is on the minus strand). VCF-style: chr2-43224763-C-T. GRCh37 (hg19) VCF-style: chr2-43451902-C-T.
Identifiers: ClinVar variation 2650851 (VCV002650851.24), dbSNP rs761125625, ClinGen allele CA1631378.
Genomic context (GRCh38, chr2:43,224,763, plus strand): 5'-CGGACCGAAGGCGAAGGCGTTGTTGGCGCACGAGGCCGACGAGCAGGCCGCGCACGGGGC[C>T]CCCGGCGCCAGCAGGTCCTCGGCGCCCCCGGTGCCGTACAGCAGAGCGGCCGCAGCCGCG-3'
Protein context (NP_008818.3, residues 337-357): TGGAEDLLAP[Gly347=]APCAACSSAS